The following is an entry in ClinVar:

NM_004100.5(EYA4):c.806A>T (p.Asp269Val)

Gene: EYA4 (EYA transcriptional coactivator and phosphatase 4; plus strand). Cytogenetic location: 6q23.2.
Variant type: single nucleotide variant.
Coding change: c.806A>T on transcript NM_004100.5 (MANE Select); coding-DNA position 806, A replaced by T.
Protein change: p.Asp269Val; replaces aspartic acid 269 with valine.
Molecular consequence: missense variant.
Genome position (GRCh38, 1-based): chr6:133,468,567, A>T. VCF-style: chr6-133468567-A-T. GRCh37 (hg19) VCF-style: chr6-133789705-A-T.
Other names: c.806A>T, p.Asp269Val (NM_001301013.2, NM_172105.4); c.737A>T, p.Asp246Val (NM_001370458.1, NM_172103.4); c.644A>T, p.Asp215Val (NM_001370459.1, NM_001301012.2); short protein forms D269V, D215V, D246V.
Identifiers: ClinVar variation 576737 (VCV000576737.9), dbSNP rs1562457061, ClinGen allele CA365703126.

ClinVar aggregate classification (germline): Uncertain significance. Review status: criteria provided, multiple submitters, no conflicts (2 of 4 stars). 2 submissions from 2 submitters: Uncertain significance (2). Last evaluated 2025-06-11.

Conditions:
Dilated cardiomyopathy 1J (CMD1J). Also called: CARDIOMYOPATHY, DILATED, WITH SENSORINEURAL HEARING LOSS, AUTOSOMAL DOMINANT. Identifiers: Orphanet 217622, MedGen C1854368, MONDO:0011541, OMIM 605362.

Submissions (2):

Labcorp Genetics (formerly Invitae), Labcorp
Classification: Uncertain significance for Dilated cardiomyopathy 1J. Last evaluated: 2025-06-11. Review status: criteria provided, single submitter. Criteria: Invitae Variant Classification Sherloc (09022015). Collection method: clinical testing. Allele origin: germline.
Comment: This sequence change replaces aspartic acid, which is acidic and polar, with valine, which is neutral and non-polar, at codon 269 of the EYA4 protein (p.Asp269Val). This variant is not present in population databases (gnomAD no frequency). This variant has not been reported in the literature in individuals affected with EYA4-related conditions. ClinVar contains an entry for this variant (Variation ID: 576737). An algorithm developed to predict the effect of missense changes on protein structure and function (PolyPhen-2) suggests that this variant is likely to be disruptive. In summary, the available evidence is currently insufficient to determine the role of this variant in disease. Therefore, it has been classified as a Variant of Uncertain Significance.

Women's Health and Genetics/Laboratory Corporation of America, LabCorp
Classification: Uncertain significance. Last evaluated: 2021-07-06. Review status: criteria provided, single submitter. Criteria: LabCorp Variant Classification Summary - May 2015. Collection method: clinical testing. Allele origin: germline.
Comment: Variant summary: EYA4 c.806A>T (p.Asp269Val) results in a non-conservative amino acid change in the encoded protein sequence. Four of five in-silico tools predict a damaging effect of the variant on protein function. The variant was absent in 250798 control chromosomes. The available data on variant occurrences in the general population are insufficient to allow any conclusion about variant significance. To our knowledge, no occurrence of c.806A>T in individuals affected with Dilated Cardiomyopathy and no experimental evidence demonstrating its impact on protein function have been reported. One clinical diagnostic laboratory has submitted clinical-significance assessments for this variant to ClinVar after 2014 without evidence for independent evaluation. One laboratory classified the variant as uncertain significance. Based on the evidence outlined above, the variant was classified as uncertain significance.